The following is an entry in ClinVar:

ClinVar aggregate classification (germline): Conflicting classifications of pathogenicity. Review status: criteria provided, conflicting classifications (1 of 4 stars). 3 submissions from 3 submitters: Likely pathogenic (1); Uncertain significance (2). Last evaluated 2025-10-21.

Conditions:
Hereditary cancer-predisposing syndrome. Also called: Hereditary Cancer Syndrome; Hereditary neoplastic syndrome; Neoplastic Syndromes, Hereditary; Tumor predisposition. Identifiers: Orphanet 140162, MedGen C0027672, MeSH D009386, MONDO:0015356.
Ataxia-telangiectasia syndrome (AT). Also called: LOUIS-BAR SYNDROME; Cerebello-oculocutaneous telangiectasia; Immunodeficiency with ataxia telangiectasia; Ataxia-telangiectasia, complementation group D; AT, COMPLEMENTATION GROUP C; ATAXIA-TELANGIECTASIA, COMPLEMENTATION GROUP A. Identifiers: Orphanet 100, MedGen C0004135, MONDO:0008840, OMIM 208900.

Allele frequency attached by ClinVar (database versions not stated): gnomAD exomes below 0.00001.
gnomAD v4.1: 1 of 1,614,038 alleles (0.000062%); highest among the groups gnomAD compares: East Asian, 0.0022%; no homozygotes.

Submissions (3):

Ambry Genetics
Classification: Likely pathogenic for Hereditary cancer-predisposing syndrome. Last evaluated: 2025-10-21. Review status: criteria provided, single submitter. Criteria: Ambry Variant Classification Scheme 2023. Collection method: clinical testing. Allele origin: germline.
Comment: The p.C1177R variant (also known as c.3529T>C), located in coding exon 23 of the ATM gene, results from a T to C substitution at nucleotide position 3529. The cysteine at codon 1177 is replaced by arginine, an amino acid with highly dissimilar properties. This variant has been identified in the homozygous state and/or in conjunction with other ATM variant(s) in individual(s) diagnosed with ataxia-telangiectasia; in at least one instance, the variants were identified in trans (Kim J et al. Nature, 2023 Jul;619:828-836). In an assay testing ATM function, this variant showed a functionally indeterminant result (Lee KS et al. Cell, 2025 Sep;188:5081-5099.e27). This variant is considered to be rare based on population cohorts in the Genome Aggregation Database (gnomAD). This amino acid position is well conserved in available vertebrate species. In addition, this alteration is predicted to be deleterious by in silico analysis. Based on the majority of available evidence to date, this variant is likely to be pathogenic.

Labcorp Genetics (formerly Invitae), Labcorp
Classification: Uncertain significance for Ataxia-telangiectasia syndrome. Last evaluated: 2024-06-30. Review status: criteria provided, single submitter. Criteria: Invitae Variant Classification Sherloc (09022015). Collection method: clinical testing. Allele origin: germline.
Comment: This sequence change replaces cysteine, which is neutral and slightly polar, with arginine, which is basic and polar, at codon 1177 of the ATM protein (p.Cys1177Arg). This variant is not present in population databases (gnomAD no frequency). This variant has not been reported in the literature in individuals affected with ATM-related conditions. ClinVar contains an entry for this variant (Variation ID: 1331869). An algorithm developed to predict the effect of missense changes on protein structure and function (PolyPhen-2) suggests that this variant is likely to be disruptive. In summary, the available evidence is currently insufficient to determine the role of this variant in disease. Therefore, it has been classified as a Variant of Uncertain Significance.

Color Diagnostics, LLC DBA Color Health
Classification: Uncertain significance for Hereditary cancer-predisposing syndrome. Last evaluated: 2021-07-06. Review status: criteria provided, single submitter. Criteria: ACMG Guidelines, 2015. Collection method: clinical testing. Allele origin: germline.
Comment: This missense variant replaces cysteine with arginine at codon 1177 of the ATM protein. Computational prediction suggests that this variant may have deleterious impact on protein structure and function (internally defined REVEL score threshold >= 0.7, PMID: 27666373). To our knowledge, functional studies have not been reported for this variant. This variant has not been reported in individuals affected with hereditary cancer in the literature. This variant has not been identified in the general population by the Genome Aggregation Database (gnomAD). The available evidence is insufficient to determine the role of this variant in disease conclusively. Therefore, this variant is classified as a Variant of Uncertain Significance.

Literature cited by the submitters: PubMed 37438524 (cited by Ambry Genetics); PubMed 40580951 (cited by Ambry Genetics).

NM_000051.4(ATM):c.3529T>C (p.Cys1177Arg)

Gene: ATM (ATM serine/threonine kinase; plus strand). Cytogenetic location: 11q22.3.
Variant type: single nucleotide variant.
Coding change: c.3529T>C on transcript NM_000051.4 (MANE Select); coding-DNA position 3529, T replaced by C.
Protein change: p.Cys1177Arg; replaces cysteine 1177 with arginine.
Molecular consequence: missense variant.
Genome position (GRCh38, 1-based): chr11:108,281,121, T>C. VCF-style: chr11-108281121-T-C. GRCh37 (hg19) VCF-style: chr11-108151848-T-C.
Other names: c.3529T>C, p.Cys1177Arg (NM_001351834.2); short protein forms C1177R.
Identifiers: ClinVar variation 1331869 (VCV001331869.9), dbSNP rs2135669298, ClinGen allele CA382520157.